The following is an entry in ClinVar:

ClinVar aggregate classification (germline): Likely benign. Review status: criteria provided, multiple submitters, no conflicts (2 of 4 stars). 2 submissions from 2 submitters: Likely benign (2). Last evaluated 2024-03-01.

Conditions:
Emery-Dreifuss muscular dystrophy 4, autosomal dominant (EDMD4). Also called: EMERY-DREIFUSS MUSCULAR DYSTROPHY 4 WITH VARIABLE FEATURES. Identifiers: Orphanet 261, MedGen C2751807, MONDO:0013071, OMIM 612998.
Autosomal recessive ataxia, Beauce type. Also called: Spinocerebellar ataxia, autosomal recessive 8; ATAXIA, RECESSIVE, OF BEAUCE; SYNE1-Related Autosomal Recessive Cerebellar Ataxia; SYNE1 Deficiency. Identifiers: Orphanet 88644, MedGen C1853116, MONDO:0012549, OMIM 610743.

Allele frequency attached by ClinVar (database versions not stated): gnomAD exomes below 0.00001.
gnomAD v4.1: 6 of 1,614,210 alleles (0.00037%); highest among the groups gnomAD compares: South Asian, 0.0011%; no homozygotes.

Submissions (2):

Labcorp Genetics (formerly Invitae), Labcorp
Classification: Likely benign for Emery-Dreifuss muscular dystrophy 4, autosomal dominant; Autosomal recessive ataxia, Beauce type. Last evaluated: 2024-03-01. Review status: criteria provided, single submitter. Criteria: Invitae Variant Classification Sherloc (09022015). Collection method: clinical testing. Allele origin: germline.

CeGaT Center for Human Genetics Tuebingen
Classification: Likely benign. Last evaluated: 2022-08-01. Review status: criteria provided, single submitter. Criteria: CeGaT Center For Human Genetics Tuebingen Variant Classification Criteria Version 2. Collection method: clinical testing. Allele origin: germline. Affected: yes. Observed: 1 variant allele.
Comment: SYNE1: BP4, BP7

NM_182961.4(SYNE1):c.26277C>T (p.Ile8759=)

Genes: ESR1 (estrogen receptor 1; plus strand), SYNE1 (spectrin repeat containing nuclear envelope protein 1; minus strand). Cytogenetic location: 6q25.2.
Variant type: single nucleotide variant.
Coding change: c.26277C>T on transcript NM_182961.4 (MANE Select); coding-DNA position 26277, C replaced by T.
Protein change: p.Ile8759=; no amino-acid change (isoleucine 8759 retained).
Molecular consequence: synonymous variant. On other transcripts: intron variant (1), 3 prime UTR variant (1).
Genome position (GRCh38, 1-based): chr6:152,122,553, G>A on the plus strand (C>T on the coding strand, the complement: SYNE1 is on the minus strand). VCF-style: chr6-152122553-G-A. GRCh37 (hg19) VCF-style: chr6-152443688-G-A.
Other names: c.26133C>T, p.Ile8711= (NM_033071.5); c.851-2713G>A (NM_001328100.2); c.*88C>T (NM_001347701.2); c.2811C>T, p.Ile937= (NM_001347702.2).
Identifiers: ClinVar variation 2657000 (VCV002657000.24), dbSNP rs200240881, ClinGen allele CA150189529.